The following is an entry in ClinVar:

NM_031935.3(HMCN1):c.13190G>A (p.Arg4397Gln)

Gene: HMCN1 (hemicentin 1; plus strand). Cytogenetic location: 1q31.1.
Variant type: single nucleotide variant.
Coding change: c.13190G>A on transcript NM_031935.3 (MANE Select); coding-DNA position 13190, G replaced by A.
Protein change: p.Arg4397Gln; replaces arginine 4397 with glutamine.
Molecular consequence: missense variant.
Genome position (GRCh38, 1-based): chr1:186,130,657, G>A. VCF-style: chr1-186130657-G-A. GRCh37 (hg19) VCF-style: chr1-186099789-G-A.
Other names: short protein forms R4397Q.
Identifiers: ClinVar variation 1372052 (VCV001372052.6), dbSNP rs368815116, ClinGen allele CA1294564.

ClinVar aggregate classification (germline): Uncertain significance (1 of 4 stars; one submission).

Allele frequency attached by ClinVar (database versions not stated): gnomAD 0.00003 and 0.00004; TOPMed 0.00003; ESP Exome Variant Server 0.00008; gnomAD exomes 0.00009 and 0.00013; ExAC 0.00014; 1000 Genomes Project 30x 0.00016; 1000 Genomes Project 0.00020.
gnomAD v4.1: 146 of 1,613,248 alleles (0.0091%); highest among the groups gnomAD compares: South Asian, 0.069%; no homozygotes.

Submission:

Labcorp Genetics (formerly Invitae), Labcorp
Classification: Uncertain significance. Last evaluated: 2025-06-12. Review status: criteria provided, single submitter. Criteria: Invitae Variant Classification Sherloc (09022015). Collection method: clinical testing. Allele origin: germline.
Comment: This sequence change replaces arginine, which is basic and polar, with glutamine, which is neutral and polar, at codon 4397 of the HMCN1 protein (p.Arg4397Gln). This variant is present in population databases (rs368815116, gnomAD 0.07%), and has an allele count higher than expected for a pathogenic variant. This variant has not been reported in the literature in individuals affected with HMCN1-related conditions. ClinVar contains an entry for this variant (Variation ID: 1372052). An algorithm developed to predict the effect of missense changes on protein structure and function outputs the following: PolyPhen-2: "Benign". The glutamine amino acid residue is found in multiple mammalian species, which suggests that this missense change does not adversely affect protein function. In summary, the available evidence is currently insufficient to determine the role of this variant in disease. Therefore, it has been classified as a Variant of Uncertain Significance.